The following is an entry in ClinVar:

ClinVar aggregate classification (germline): Uncertain significance (0 of 4 stars; one submission).

Conditions:
KDM6A-related disorder. Also called: KDM6A-related condition.

Submission:

PreventionGenetics, part of Exact Sciences
Classification: Uncertain significance for KDM6A-related condition. Last evaluated: 2024-04-16. Review status: no assertion criteria provided. Collection method: clinical testing. Allele origin: germline.
Comment: The KDM6A c.1720G>A variant is predicted to result in the amino acid substitution p.Ala574Thr. To our knowledge, this variant has not been reported in the literature or in a large population database, indicating this variant is rare. At this time, the clinical significance of this variant is uncertain due to the absence of conclusive functional and genetic evidence.

NM_001291415.2(KDM6A):c.1876G>A (p.Ala626Thr)

Gene: KDM6A (lysine demethylase 6A; plus strand). Cytogenetic location: Xp11.3.
Variant type: single nucleotide variant.
Coding change: c.1876G>A on transcript NM_001291415.2 (MANE Select); coding-DNA position 1876, G replaced by A.
Protein change: p.Ala626Thr; replaces alanine 626 with threonine.
Molecular consequence: missense variant. On other transcripts: non-coding transcript variant (1).
Genome position (GRCh38, 1-based): chrX:45,063,614, G>A. VCF-style: chrX-45063614-G-A. GRCh37 (hg19) VCF-style: chrX-44922859-G-A.
Other names: c.1741G>A, p.Ala581Thr (NM_001291416.2, NM_001419811.1); c.1585G>A, p.Ala529Thr (NM_001291417.2); c.1483G>A, p.Ala495Thr (NM_001291418.2, NM_001419815.1); c.832G>A, p.Ala278Thr (NM_001291421.2); c.1618G>A, p.Ala540Thr (NM_001410742.1, NM_001419814.1); c.1876G>A, p.Ala626Thr (NM_001419809.1); c.1774G>A, p.Ala592Thr (NM_001419810.1, NM_001419813.1); c.1720G>A, p.Ala574Thr (NM_001419812.1, NM_021140.4); short protein forms A278T, A495T, A529T, A540T, A574T, A581T, A592T, A626T.
Identifiers: ClinVar variation 3348889 (VCV003348889.1).